The following is an entry in ClinVar:

NM_024675.4(PALB2):c.1646A>T (p.His549Leu)

Gene: PALB2 (partner and localizer of BRCA2; minus strand). Cytogenetic location: 16p12.2.
Variant type: single nucleotide variant.
Coding change: c.1646A>T on transcript NM_024675.4 (MANE Select); coding-DNA position 1646, A replaced by T.
Protein change: p.His549Leu; replaces histidine 549 with leucine.
Molecular consequence: missense variant. On other transcripts: intron variant (3).
Genome position (GRCh38, 1-based): chr16:23,634,900, T>A on the plus strand (A>T on the coding strand, the complement: PALB2 is on the minus strand). VCF-style: chr16-23634900-T-A. GRCh37 (hg19) VCF-style: chr16-23646221-T-A.
Other names: c.1586A>T, p.His529Leu (NM_001407296.1); c.1646A>T, p.His549Leu (NM_001407297.1, NM_001407298.1, NM_001407299.1 and 3 more transcripts); c.761A>T, p.His254Leu (NM_001407304.1, NM_001407305.1, NM_001407306.1 and 5 more transcripts); c.49-5625A>T (NM_001407314.1); c.-104-4431A>T (NM_001407313.1, NM_001407312.1); short protein forms H529L, H549L, H254L.
Identifiers: ClinVar variation 3885197 (VCV003885197.1).

ClinVar aggregate classification (germline): Uncertain significance (1 of 4 stars; one submission).

Conditions:
Hereditary cancer-predisposing syndrome. Also called: Tumor predisposition; Neoplastic Syndromes, Hereditary; Hereditary Cancer Syndrome; Hereditary neoplastic syndrome. Identifiers: Orphanet 140162, MedGen C0027672, MeSH D009386, MONDO:0015356.

Submission:

Ambry Genetics
Classification: Uncertain significance for Hereditary cancer-predisposing syndrome. Last evaluated: 2024-12-22. Review status: criteria provided, single submitter. Criteria: Ambry Variant Classification Scheme 2023. Collection method: clinical testing. Allele origin: germline.
Comment: The p.H549L variant (also known as c.1646A>T), located in coding exon 4 of the PALB2 gene, results from an A to T substitution at nucleotide position 1646. The histidine at codon 549 is replaced by leucine, an amino acid with similar properties. This amino acid position is conserved. In addition, this alteration is predicted to be tolerated by in silico analysis. Based on the available evidence, the clinical significance of this variant remains unclear.